The following is an entry in ClinVar:

ClinVar aggregate classification (germline): Uncertain significance (1 of 4 stars; one submission).

Conditions:
Epileptic encephalopathy. Identifiers: MedGen C0543888, HP:0200134.

Allele frequency attached by ClinVar (database versions not stated): TOPMed 0.00002.
gnomAD v4.1: 34 of 1,599,646 alleles (0.0021%); highest among the groups gnomAD compares: Admixed American, 0.0051%; no homozygotes.

Submission:

Labcorp Genetics (formerly Invitae), Labcorp
Classification: Uncertain significance for Epileptic encephalopathy. Last evaluated: 2024-11-25. Review status: criteria provided, single submitter. Criteria: Invitae Variant Classification Sherloc (09022015). Collection method: clinical testing. Allele origin: germline.
Comment: This sequence change replaces isoleucine, which is neutral and non-polar, with methionine, which is neutral and non-polar, at codon 290 of the FASN protein (p.Ile290Met). This variant is present in population databases (rs151114755, gnomAD 0.007%). This variant has not been reported in the literature in individuals affected with FASN-related conditions. ClinVar contains an entry for this variant (Variation ID: 1036893). An algorithm developed to predict the effect of missense changes on protein structure and function (PolyPhen-2) suggests that this variant is likely to be tolerated. In summary, the available evidence is currently insufficient to determine the role of this variant in disease. Therefore, it has been classified as a Variant of Uncertain Significance.

NM_004104.5(FASN):c.870C>G (p.Ile290Met)

Gene: FASN (fatty acid synthase; minus strand). Cytogenetic location: 17q25.3.
Variant type: single nucleotide variant.
Coding change: c.870C>G on transcript NM_004104.5 (MANE Select); coding-DNA position 870, C replaced by G.
Protein change: p.Ile290Met; replaces isoleucine 290 with methionine.
Molecular consequence: missense variant.
Genome position (GRCh38, 1-based): chr17:82,092,721, G>C on the plus strand (C>G on the coding strand, the complement: FASN is on the minus strand). VCF-style: chr17-82092721-G-C. GRCh37 (hg19) VCF-style: chr17-80050597-G-C.
Other names: short protein forms I290M.
Identifiers: ClinVar variation 1036893 (VCV001036893.8), dbSNP rs151114755, ClinGen allele CA8853357.
Genomic context (GRCh38, chr17:82,092,721, plus strand): 5'-TGGGGTGGTGAGTGGGGCGGGGGGGGGGGGCATCACCTTGGTGCCTGTGCCGTGGGCTTC[G>C]ATGTATTCAAATGACTCAGGGGCCACTCCGGCCGACTGGTACAACGAGCGGATGAGCTGC-3'
Protein context (NP_004095.4, residues 280-300): AGVAPESFEY[Ile290Met]EAHGTGTKVG